The following is an entry in ClinVar:

ClinVar aggregate classification (germline): Uncertain significance. Review status: criteria provided, multiple submitters, no conflicts (2 of 4 stars). 2 submissions from 2 submitters: Uncertain significance (2). Last evaluated 2025-12-17.

Conditions:
Cardiovascular phenotype. Identifiers: MedGen CN230736.
Progressive familial heart block type IB (PFHB1B). Identifiers: Orphanet 871, MedGen C1970298, MONDO:0011474, OMIM 604559.

Submissions (2):

Labcorp Genetics (formerly Invitae), Labcorp
Classification: Uncertain significance for Progressive familial heart block type IB. Last evaluated: 2025-12-17. Review status: criteria provided, single submitter. Criteria: Invitae Variant Classification Sherloc (09022015). Collection method: clinical testing. Allele origin: germline.
Comment: This sequence change replaces aspartic acid, which is acidic and polar, with glycine, which is neutral and non-polar, at codon 317 of the TRPM4 protein (p.Asp317Gly). This variant is not present in population databases (gnomAD no frequency). This variant has not been reported in the literature in individuals affected with TRPM4-related conditions. An algorithm developed to predict the effect of missense changes on protein structure and function (PolyPhen-2) suggests that this variant is likely to be tolerated. In summary, the available evidence is currently insufficient to determine the role of this variant in disease. Therefore, it has been classified as a Variant of Uncertain Significance.

Ambry Genetics
Classification: Uncertain significance for Cardiovascular phenotype. Last evaluated: 2025-10-27. Review status: criteria provided, single submitter. Criteria: Ambry Variant Classification Scheme 2023. Collection method: clinical testing. Allele origin: germline.
Comment: The p.D317G variant (also known as c.950A>G), located in coding exon 8 of the TRPM4 gene, results from an A to G substitution at nucleotide position 950. The aspartic acid at codon 317 is replaced by glycine, an amino acid with similar properties. This amino acid position is conserved. In addition, this alteration is predicted to be tolerated by in silico analysis. Based on the available evidence, the clinical significance of this variant remains unclear.

NM_017636.4(TRPM4):c.950A>G (p.Asp317Gly)

Gene: TRPM4 (transient receptor potential cation channel subfamily M member 4; plus strand). Cytogenetic location: 19q13.33.
Variant type: single nucleotide variant.
Coding change: c.950A>G on transcript NM_017636.4 (MANE Select); coding-DNA position 950, A replaced by G.
Protein change: p.Asp317Gly; replaces aspartic acid 317 with glycine.
Molecular consequence: missense variant. On other transcripts: 5 prime UTR variant (1).
Genome position (GRCh38, 1-based): chr19:49,171,669, A>G. VCF-style: chr19-49171669-A-G. GRCh37 (hg19) VCF-style: chr19-49674926-A-G.
Other names: c.950A>G, p.Asp317Gly (NM_001195227.2); c.605A>G, p.Asp202Gly (NM_001321281.2); c.-604A>G (NM_001321282.2); c.428A>G, p.Asp143Gly (NM_001321283.2); c.101A>G, p.Asp34Gly (NM_001321285.2); short protein forms D202G, D317G, D34G, D143G.
Identifiers: ClinVar variation 4615270 (VCV004615270.2).